The following is an entry in ClinVar:

NM_002890.3(RASA1):c.680T>C (p.Val227Ala)

Genes: CCNH (cyclin H; minus strand), RASA1 (RAS p21 protein activator 1; plus strand). Cytogenetic location: 5q14.3.
Variant type: single nucleotide variant.
Coding change: c.680T>C on transcript NM_002890.3 (MANE Select); coding-DNA position 680, T replaced by C.
Protein change: p.Val227Ala; replaces valine 227 with alanine.
Molecular consequence: missense variant. On other transcripts: intron variant (1).
Genome position (GRCh38, 1-based): chr5:87,331,488, T>C. VCF-style: chr5-87331488-T-C. GRCh37 (hg19) VCF-style: chr5-86627305-T-C.
Other names: c.149T>C, p.Val50Ala (NM_022650.3); c.934-18693A>G (NM_001364075.2); short protein forms V50A, V227A.
Identifiers: ClinVar variation 2151144 (VCV002151144.3), dbSNP rs745790570, ClinGen allele CA3335532.

ClinVar aggregate classification (germline): Uncertain significance (1 of 4 stars; one submission).

Conditions:
Capillary malformation-arteriovenous malformation syndrome. Also called: Capillary malformation-arteriovenous malformation. Identifiers: Orphanet 137667, MedGen C1842180, MONDO:0012016.

Allele frequency attached by ClinVar (database versions not stated): ExAC 0.00001.
gnomAD v4.1: 5 of 1,613,834 alleles (0.00031%); highest among the groups gnomAD compares: Non-Finnish European, 0.00034%; no homozygotes.

Submission:

Labcorp Genetics (formerly Invitae), Labcorp
Classification: Uncertain significance for Capillary malformation-arteriovenous malformation syndrome. Last evaluated: 2024-08-29. Review status: criteria provided, single submitter. Criteria: Invitae Variant Classification Sherloc (09022015). Collection method: clinical testing. Allele origin: germline.
Comment: This sequence change replaces valine, which is neutral and non-polar, with alanine, which is neutral and non-polar, at codon 227 of the RASA1 protein (p.Val227Ala). This variant is present in population databases (rs745790570, gnomAD 0.0009%). This variant has not been reported in the literature in individuals affected with RASA1-related conditions. ClinVar contains an entry for this variant (Variation ID: 2151144). An algorithm developed to predict the effect of missense changes on protein structure and function (PolyPhen-2) suggests that this variant is likely to be tolerated. In summary, the available evidence is currently insufficient to determine the role of this variant in disease. Therefore, it has been classified as a Variant of Uncertain Significance.